The following is an entry in ClinVar:

NM_000329.3(RPE65):c.382G>A (p.Val128Ile)

Gene: RPE65 (retinoid isomerohydrolase RPE65; minus strand). Cytogenetic location: 1p31.3.
Variant type: single nucleotide variant.
Coding change: c.382G>A on transcript NM_000329.3 (MANE Select); coding-DNA position 382, G replaced by A.
Protein change: p.Val128Ile; replaces valine 128 with isoleucine.
Molecular consequence: missense variant.
Genome position (GRCh38, 1-based): chr1:68,444,644, C>T on the plus strand (G>A on the coding strand, the complement: RPE65 is on the minus strand). VCF-style: chr1-68444644-C-T. GRCh37 (hg19) VCF-style: chr1-68910327-C-T.
Other names: c.274G>A, p.Val92Ile (NM_001406853.1); c.106G>A, p.Val36Ile (NM_001406856.1, NM_001406857.1); c.382G>A, p.Val128Ile (NM_001406859.1, NM_001406860.1); short protein forms V36I, V92I, V128I.
Identifiers: ClinVar variation 2953660 (VCV002953660.3), dbSNP rs375611153, ClinGen allele CA340747938.

ClinVar aggregate classification (germline): Uncertain significance (1 of 4 stars; one submission).

Conditions:
Retinitis pigmentosa 20 (RP20). Identifiers: Orphanet 791, MedGen C3151086, MONDO:0013425, OMIM 613794.
Leber congenital amaurosis 2 (LCA2). Also called: Autosomal Recessive RPE65-Related Retinal Degeneration; AMAUROSIS CONGENITA OF LEBER II. Identifiers: Orphanet 65, MedGen C1859844, MONDO:0008765, OMIM 204100. Disease mechanism: loss of function.

Submission:

Labcorp Genetics (formerly Invitae), Labcorp
Classification: Uncertain significance for Leber congenital amaurosis 2; Retinitis pigmentosa 20. Last evaluated: 2023-11-07. Review status: criteria provided, single submitter. Criteria: Invitae Variant Classification Sherloc (09022015). Collection method: clinical testing. Allele origin: germline.
Comment: This sequence change replaces valine, which is neutral and non-polar, with isoleucine, which is neutral and non-polar, at codon 128 of the RPE65 protein (p.Val128Ile). This variant is not present in population databases (gnomAD no frequency). This variant has not been reported in the literature in individuals affected with RPE65-related conditions. Advanced modeling of protein sequence and biophysical properties (such as structural, functional, and spatial information, amino acid conservation, physicochemical variation, residue mobility, and thermodynamic stability) performed at Invitae indicates that this missense variant is not expected to disrupt RPE65 protein function with a negative predictive value of 80%. In summary, the available evidence is currently insufficient to determine the role of this variant in disease. Therefore, it has been classified as a Variant of Uncertain Significance.